The following is an entry in ClinVar:

ClinVar aggregate classification (germline): Uncertain significance (1 of 4 stars; one submission).

Submission:

Labcorp Genetics (formerly Invitae), Labcorp
Classification: Uncertain significance. Last evaluated: 2022-12-15. Review status: criteria provided, single submitter. Criteria: Invitae Variant Classification Sherloc (09022015). Collection method: clinical testing. Allele origin: germline.
Comment: In summary, the available evidence is currently insufficient to determine the role of this variant in disease. Therefore, it has been classified as a Variant of Uncertain Significance. Advanced modeling of protein sequence and biophysical properties (such as structural, functional, and spatial information, amino acid conservation, physicochemical variation, residue mobility, and thermodynamic stability) performed at Invitae indicates that this missense variant is expected to disrupt ATP2B4 protein function. This variant has not been reported in the literature in individuals affected with ATP2B4-related conditions. This variant is not present in population databases (gnomAD no frequency). This sequence change replaces threonine, which is neutral and polar, with isoleucine, which is neutral and non-polar, at codon 60 of the ATP2B4 protein (p.Thr60Ile).

NM_001684.5(ATP2B4):c.179C>T (p.Thr60Ile)

Gene: ATP2B4 (ATPase plasma membrane Ca2+ transporting 4; plus strand). Cytogenetic location: 1q32.1.
Variant type: single nucleotide variant.
Coding change: c.179C>T on transcript NM_001684.5 (MANE Select); coding-DNA position 179, C replaced by T.
Protein change: p.Thr60Ile; replaces threonine 60 with isoleucine.
Molecular consequence: missense variant.
Genome position (GRCh38, 1-based): chr1:203,683,384, C>T. VCF-style: chr1-203683384-C-T. GRCh37 (hg19) VCF-style: chr1-203652512-C-T.
Other names: c.179C>T, p.Thr60Ile (NM_001001396.3, NM_001365783.2, NM_001365784.2); short protein forms T60I.
Identifiers: ClinVar variation 2009191 (VCV002009191.4), dbSNP rs2545347932, ClinGen allele CA344596095.